The following is an entry in ClinVar:

ClinVar aggregate classification (germline): Uncertain significance (1 of 4 stars; one submission).

Submission:

Labcorp Genetics (formerly Invitae), Labcorp
Classification: Uncertain significance. Last evaluated: 2022-07-30. Review status: criteria provided, single submitter. Criteria: Invitae Variant Classification Sherloc (09022015). Collection method: clinical testing. Allele origin: germline.
Comment: This variant is not present in population databases (gnomAD no frequency). This variant has not been reported in the literature in individuals affected with TUBGCP6-related conditions. Algorithms developed to predict the effect of missense changes on protein structure and function are either unavailable or do not agree on the potential impact of this missense change (SIFT: "Tolerated"; PolyPhen-2: "Probably Damaging"; Align-GVGD: "Class C0"). In summary, the available evidence is currently insufficient to determine the role of this variant in disease. Therefore, it has been classified as a Variant of Uncertain Significance. This sequence change replaces glycine, which is neutral and non-polar, with aspartic acid, which is acidic and polar, at codon 1724 of the TUBGCP6 protein (p.Gly1724Asp).

NM_020461.4(TUBGCP6):c.5171G>A (p.Gly1724Asp)

Gene: TUBGCP6 (tubulin gamma complex component 6; minus strand). Cytogenetic location: 22q13.33.
Variant type: single nucleotide variant.
Coding change: c.5171G>A on transcript NM_020461.4 (MANE Select); coding-DNA position 5171, G replaced by A.
Protein change: p.Gly1724Asp; replaces glycine 1724 with aspartic acid.
Molecular consequence: missense variant.
Genome position (GRCh38, 1-based): chr22:50,218,115, C>T on the plus strand (G>A on the coding strand, the complement: TUBGCP6 is on the minus strand). VCF-style: chr22-50218115-C-T. GRCh37 (hg19) VCF-style: chr22-50656544-C-T.
Other names: short protein forms G1724D.
Identifiers: ClinVar variation 1714446 (VCV001714446.5), dbSNP rs2064448502, ClinGen allele CA412163672.